The following is an entry in ClinVar:

NM_004656.4(BAP1):c.1265G>C (p.Gly422Ala)

Gene: BAP1 (BRCA1 associated deubiquitinase 1; minus strand). Cytogenetic location: 3p21.1.
Variant type: single nucleotide variant.
Coding change: c.1265G>C on transcript NM_004656.4 (MANE Select); coding-DNA position 1265, G replaced by C.
Protein change: p.Gly422Ala; replaces glycine 422 with alanine.
Molecular consequence: missense variant.
Genome position (GRCh38, 1-based): chr3:52,403,880, C>G on the plus strand (G>C on the coding strand, the complement: BAP1 is on the minus strand). VCF-style: chr3-52403880-C-G. GRCh37 (hg19) VCF-style: chr3-52437896-C-G.
Other names: c.1211G>C, p.Gly404Ala (NM_001410772.1); short protein forms G404A, G422A.
Identifiers: ClinVar variation 3893744 (VCV003893744.2).

ClinVar aggregate classification (germline): Uncertain significance (1 of 4 stars; one submission).

Conditions:
Hereditary cancer-predisposing syndrome. Also called: Neoplastic Syndromes, Hereditary; Tumor predisposition; Hereditary Cancer Syndrome; Hereditary neoplastic syndrome. Identifiers: Orphanet 140162, MedGen C0027672, MeSH D009386, MONDO:0015356.

gnomAD v4.1: 1 of 1,614,086 alleles (0.000062%); highest among the groups gnomAD compares: Non-Finnish European, 0.000085%; no homozygotes.

Submission:

Color Diagnostics, LLC DBA Color Health
Classification: Uncertain significance for Hereditary cancer-predisposing syndrome. Last evaluated: 2025-12-15. Review status: criteria provided, single submitter. Criteria: ACMG Guidelines, 2015. Collection method: clinical testing. Allele origin: germline.
Comment: This missense variant replaces glycine with alanine at codon 422 of the BAP1 protein. Computational prediction suggests that this variant may not impact protein structure and function. To our knowledge, functional studies have not been reported for this variant. This variant has not been reported in individuals affected with BAP1-related disorders in the literature. This variant has not been identified in the general population by the Genome Aggregation Database (gnomAD). The available evidence is insufficient to determine the role of this variant in disease conclusively. Therefore, this variant is classified as a Variant of Uncertain Significance.